The following is an entry in ClinVar:

ClinVar aggregate classification (germline): Conflicting classifications of pathogenicity. Review status: criteria provided, conflicting classifications (1 of 4 stars). 3 submissions from 3 submitters: Likely pathogenic (2); Uncertain significance (1). Last evaluated 2022-06-23.

Conditions:
FOXC1-related disorders.
Axenfeld-Rieger syndrome type 3 (RIEG3). Also called: AXENFELD-RIEGER ANOMALY WITH CARDIAC DEFECTS AND/OR SENSORINEURAL HEARING LOSS. Identifiers: Orphanet 782, MedGen C2678503, MONDO:0011233, OMIM 602482.

Allele frequency attached by ClinVar (database versions not stated): TOPMed below 0.00001; gnomAD 0.00001.

Submissions (3):

Genomics, Genetics and Epigenetics Laboratory, Medical College of Wisconsin
Classification: Likely pathogenic for Axenfeld-Rieger syndrome type 3. Last evaluated: 2022-06-23. Review status: criteria provided, single submitter. Criteria: ACMG Guidelines, 2015. Collection method: research. Allele origin: germline. Affected: yes. Observed: 1 variant allele.

Blueprint Genetics
Classification: Likely pathogenic for FOXC1-related disorders. Last evaluated: 2021-09-17. Review status: criteria provided, single submitter. Criteria: ACMG Guidelines, 2015. Collection method: clinical testing. Allele origin: germline. Affected: yes. Observed: 1 variant allele.

Labcorp Genetics (formerly Invitae), Labcorp
Classification: Uncertain significance for Axenfeld-Rieger syndrome type 3. Last evaluated: 2019-11-26. Review status: criteria provided, single submitter. Criteria: Invitae Variant Classification Sherloc (09022015). Collection method: clinical testing. Allele origin: germline.
Comment: In summary, the available evidence is currently insufficient to determine the role of this variant in disease. Therefore, it has been classified as a Variant of Uncertain Significance. Algorithms developed to predict the effect of missense changes on protein structure and function are either unavailable or do not agree on the potential impact of this missense change (SIFT: "Deleterious"; PolyPhen-2: "Benign"; Align-GVGD: "Class C15"). This variant has not been reported in the literature in individuals with FOXC1-related disease. This variant is not present in population databases (ExAC no frequency). This sequence change replaces phenylalanine with leucine at codon 162 of the FOXC1 protein (p.Phe162Leu). The phenylalanine residue is highly conserved and there is a small physicochemical difference between phenylalanine and leucine.

Literature cited by the submitters: PubMed 35882526 (cited by Genomics, Genetics and Epigenetics Laboratory, Medical College of Wisconsin).

NM_001453.3(FOXC1):c.486C>G (p.Phe162Leu)

Gene: FOXC1 (forkhead box C1; plus strand). Cytogenetic location: 6p25.3.
Variant type: single nucleotide variant.
Coding change: c.486C>G on transcript NM_001453.3 (MANE Select); coding-DNA position 486, C replaced by G.
Protein change: p.Phe162Leu; replaces phenylalanine 162 with leucine.
Molecular consequence: missense variant.
Genome position (GRCh38, 1-based): chr6:1,610,931, C>G. VCF-style: chr6-1610931-C-G. GRCh37 (hg19) VCF-style: chr6-1611166-C-G.
Other names: short protein forms F162L.
Identifiers: ClinVar variation 651309 (VCV000651309.28), dbSNP rs1581373871, ClinGen allele CA362558934.